The following is an entry in ClinVar:

ClinVar aggregate classification (germline): Pathogenic/Likely pathogenic. Review status: criteria provided, multiple submitters, no conflicts (2 of 4 stars). 5 submissions from 5 submitters: Pathogenic (2); Likely pathogenic (3). Last evaluated 2025-10-18.

Conditions:
Autosomal recessive osteopetrosis 1. Also called: ALBERS-SCHONBERG DISEASE, AUTOSOMAL RECESSIVE; TCIRG1-Related Osteopetrosis; TCIRG1-Related Autosomal Recessive Osteopetrosis. Identifiers: Orphanet 667, MedGen C1850127, MONDO:0009815, OMIM 259700.
Osteopetrosis. Identifiers: Orphanet 2781, MedGen C0029454, MONDO:0017198, HP:0011002.

Allele frequency attached by ClinVar (database versions not stated): gnomAD exomes below 0.00001.
gnomAD v4.1: 1 of 1,613,668 alleles (0.000062%); highest among the groups gnomAD compares: Non-Finnish European, 0.000085%; no homozygotes.

Submissions (5):

Labcorp Genetics (formerly Invitae), Labcorp
Classification: Pathogenic. Last evaluated: 2025-10-18. Review status: criteria provided, single submitter. Criteria: Invitae Variant Classification Sherloc (09022015). Collection method: clinical testing. Allele origin: germline.
Comment: This sequence change replaces proline, which is neutral and non-polar, with arginine, which is basic and polar, at codon 775 of the TCIRG1 protein (p.Pro775Arg). This variant is not present in population databases (gnomAD no frequency). This missense change has been observed in individuals with autosomal recessive osteopetrosis (PMID: 11532986, 37107657, 39875016). ClinVar contains an entry for this variant (Variation ID: 2579884). Invitae Evidence Modeling of protein sequence and biophysical properties (such as structural, functional, and spatial information, amino acid conservation, physicochemical variation, residue mobility, and thermodynamic stability) indicates that this missense variant is expected to disrupt TCIRG1 protein function with a positive predictive value of 80%. For these reasons, this variant has been classified as Pathogenic.

Women's Health and Genetics/Laboratory Corporation of America, LabCorp
Classification: Pathogenic for Osteopetrosis. Last evaluated: 2025-04-04. Review status: criteria provided, single submitter. Criteria: LabCorp Variant Classification Summary - May 2015. Collection method: clinical testing. Allele origin: germline.
Comment: Variant summary: TCIRG1 c.2324C>G (p.Pro775Arg) results in a non-conservative amino acid change in the encoded protein sequence. Four of five in-silico tools predict a damaging effect of the variant on protein function. The variant was absent in 251068 control chromosomes. c.2324C>G has been reported in the literature in multiple individuals affected with Osteopetrosis (Sobacchi_2001, Capo_2020, Amirfiroozy_2025). These data indicate that the variant is very likely to be associated with disease. To our knowledge, no experimental evidence demonstrating an impact on protein function has been reported. The following publications have been ascertained in the context of this evaluation (PMID: 39875016, 31949009, 11532986). ClinVar contains an entry for this variant (Variation ID: 2579884). Based on the evidence outlined above, the variant was classified as pathogenic.

Natera, Inc.
Classification: Likely pathogenic for Infantile malignant osteopetrosis. Last evaluated: 2024-03-25. Review status: criteria provided, single submitter. Criteria: Natera Variant Classification Schema (03/2026). Collection method: clinical testing. Allele origin: germline.
Comment: The c.2324C>G variant in TCIRG1 is a missense variant predicted to cause substitution of proline to arginine at amino acid 775. This variant is rare in the general population with a frequency below the threshold expected for the associated phenotype(s). This variant has been observed in one or more individuals affected with the associated recessive disease, as either homozygous or compound heterozygous with a second variant (PMID: 37107657). This variant has been observed to segregate in affected family members (PMID: 37107657, 14675409). Computational prediction algorithms indicate this variant is likely to affect gene or protein function. Given the available evidence, this variant is classified as Likely Pathogenic.

GeneDx
Classification: Likely pathogenic. Last evaluated: 2023-03-16. Review status: criteria provided, single submitter. Criteria: GeneDx Variant Classification Process June 2021. Collection method: clinical testing. Allele origin: germline. Affected: yes.
Comment: Not observed at significant frequency in large population cohorts (gnomAD); In silico analysis supports that this missense variant has a deleterious effect on protein structure/function; This variant is associated with the following publications: (PMID: 34203247, 11532986, 31949009)

Baylor Genetics
Classification: Likely pathogenic for Autosomal recessive osteopetrosis 1. Last evaluated: 2023-01-24. Review status: criteria provided, single submitter. Criteria: ACMG Guidelines, 2015. Collection method: clinical testing. Allele origin: unknown.

Literature cited by the submitters: PubMed 11532986 (cited by Labcorp Genetics (formerly Invitae), Labcorp and Women's Health and Genetics/Laboratory Corporation of America, LabCorp); PubMed 37107657 (cited by Labcorp Genetics (formerly Invitae), Labcorp and Natera, Inc.); PubMed 39875016 (cited by Labcorp Genetics (formerly Invitae), Labcorp and Women's Health and Genetics/Laboratory Corporation of America, LabCorp); PubMed 31949009 (cited by Women's Health and Genetics/Laboratory Corporation of America, LabCorp); PubMed 14675409 (cited by Natera, Inc.).

NM_006019.4(TCIRG1):c.2324C>G (p.Pro775Arg)

Gene: TCIRG1 (T cell immune regulator 1, ATPase H+ transporting V0 subunit a3; plus strand). Cytogenetic location: 11q13.2.
Variant type: single nucleotide variant.
Coding change: c.2324C>G on transcript NM_006019.4 (MANE Select); coding-DNA position 2324, C replaced by G.
Protein change: p.Pro775Arg; replaces proline 775 with arginine.
Molecular consequence: missense variant.
Genome position (GRCh38, 1-based): chr11:68,050,574, C>G. VCF-style: chr11-68050574-C-G. GRCh37 (hg19) VCF-style: chr11-67818041-C-G.
Other names: c.1430C>G, p.Pro477Arg (NM_001351059.2); c.1676C>G, p.Pro559Arg (NM_006053.4); short protein forms P477R, P559R, P775R.
Identifiers: ClinVar variation 2579884 (VCV002579884.6), dbSNP rs2495671613, ClinGen allele CA381591621.
Genomic context (GRCh38, chr11:68,050,574, plus strand): 5'-TGATGCGCATAGGCCTGGGCCTGGGCCGGGAGGTGGGCGTGGCGGCTGTGGTGCTGGTCC[C>G]CATCTTTGCCGCCTTTGCCGTGATGACCGTGGCTATCCTGCTGGTGATGGAGGGACTCTC-3'
Protein context (NP_006010.2, residues 765-785): EVGVAAVVLV[Pro775Arg]IFAAFAVMTV